The following is an entry in ClinVar:

NC_000017.10:g.(?_29654497)_(29670173_?)del

Gene: NF1 (neurofibromin 1; plus strand). Cytogenetic location: 17q11.2.
Variant type: Deletion.
Identifiers: ClinVar variation 3242870 (VCV003242870.1).

ClinVar aggregate classification (germline): Pathogenic (1 of 4 stars; one submission).

Conditions:
Neurofibromatosis, type 1 (NF1). Also called: VON RECKLINGHAUSEN DISEASE; Neurofibromatosis, type I; Peripheral type neurofibromatosis; NEUROFIBROMATOSIS, TYPE I, SOMATIC. Identifiers: Orphanet 636, MedGen C0027831, MONDO:0018975, OMIM 162200. Disease mechanism: loss of function.

Submission:

Labcorp Genetics (formerly Invitae), Labcorp
Classification: Pathogenic for Neurofibromatosis, type 1. Last evaluated: 2023-02-13. Review status: criteria provided, single submitter. Criteria: Invitae Variant Classification Sherloc (09022015). Collection method: clinical testing. Allele origin: unknown.
Comment: This variant has not been reported in the literature in individuals affected with NF1-related conditions. For these reasons, this variant has been classified as Pathogenic. This variant is a gross deletion of the genomic region encompassing exon(s) 37-47 of the NF1 gene. This deletion is out-of-frame, and is expected to create a premature termination codon and result in an absent or disrupted protein product. Loss-of-function variants in NF1 are known to be pathogenic (PMID: 10712197, 23913538).

Literature cited by the submitters: PubMed 10712197; PubMed 23913538.